The following is an entry in ClinVar:

NM_001367873.1(SOX6):c.976C>T (p.Gln326Ter)

Gene: SOX6 (SRY-box transcription factor 6; minus strand). Cytogenetic location: 11p15.2.
Variant type: single nucleotide variant.
Coding change: c.976C>T on transcript NM_001367873.1 (MANE Select); coding-DNA position 976, C replaced by T.
Protein change: p.Gln326Ter; replaces glutamine 326 with a stop codon.
Molecular consequence: nonsense.
Genome position (GRCh38, 1-based): chr11:16,097,611, G>A on the plus strand (C>T on the coding strand, the complement: SOX6 is on the minus strand). VCF-style: chr11-16097611-G-A. GRCh37 (hg19) VCF-style: chr11-16119157-G-A.
Other names: c.976C>T, p.Gln326Ter (NM_001145811.2, NM_001145819.2, NM_001367872.1 and 2 more transcripts); short protein forms Q326*.
Identifiers: ClinVar variation 3602000 (VCV003602000.1).
Genomic context (GRCh38, chr11:16,097,611, plus strand): 5'-AGCAGTTTTCCACTAAAGTACTGGCTCATATCCCACATTTTTTTCTTCTGGCACTTACCT[G>A]GAGCTGTAAAGGGCTGAGTCCAGAAGCAGCAGCAGCTGCCATTGTTGATGGAATGAACTG-3'

ClinVar aggregate classification (germline): Likely pathogenic (1 of 4 stars; one submission).

Conditions:
Tolchin-Le Caignec syndrome. Also called: INTELLECTUAL DEVELOPMENTAL DISORDER WITH BEHAVIORAL ABNORMALITIES AND VARIABLE BONE DEFECTS. Identifiers: MedGen C5436509, MONDO:0033544, OMIM 618971.

Submission:

MVZ Medizinische Genetik Mainz
Classification: Likely pathogenic for Tolchin-Le Caignec syndrome. Last evaluated: 2025-01-10. Review status: criteria provided, single submitter. Criteria: UK Practice Guidelines For Variant Classification V4 01 2020. Collection method: clinical testing. Allele origin: germline. Inheritance: Autosomal dominant inheritance. Affected: yes. Observed: 1 variant allele.
Comment: ACMG Criteria: PVS1,PM2_SUP